The following is an entry in ClinVar:

NM_021961.6(TEAD1):c.1270G>T (p.Val424Leu)

Gene: TEAD1 (TEA domain transcription factor 1; plus strand). Cytogenetic location: 11p15.3.
Variant type: single nucleotide variant.
Coding change: c.1270G>T on transcript NM_021961.6 (MANE Select); coding-DNA position 1270, G replaced by T.
Protein change: p.Val424Leu; replaces valine 424 with leucine.
Molecular consequence: missense variant.
Genome position (GRCh38, 1-based): chr11:12,937,211, G>T. VCF-style: chr11-12937211-G-T. GRCh37 (hg19) VCF-style: chr11-12958758-G-T.
Other names: short protein forms V424L.
Identifiers: ClinVar variation 847545 (VCV000847545.9), dbSNP rs751388346, ClinGen allele CA5891856.
Genomic context (GRCh38, chr11:12,937,211, plus strand): 5'-GCCTGTGTGTTTGAAGTTTCAAATAGTGAACACGGAGCACAACATCATATTTACAGGCTT[G>T]TAAAGGACTGAACATGGTTATTTATATATATAGATATCTGTATATACACACACACATATG-3'
Protein context (NP_068780.2, residues 414-426): HGAQHHIYRL[Val424Leu]KD

ClinVar aggregate classification (germline): Uncertain significance (1 of 4 stars; one submission).

Allele frequency attached by ClinVar (database versions not stated): ExAC 0.00010.

Submission:

Labcorp Genetics (formerly Invitae), Labcorp
Classification: Uncertain significance. Last evaluated: 2021-01-28. Review status: criteria provided, single submitter. Criteria: Invitae Variant Classification Sherloc (09022015). Collection method: clinical testing. Allele origin: germline.
Comment: This sequence change replaces valine with leucine at codon 424 of the TEAD1 protein (p.Val424Leu). The valine residue is moderately conserved and there is a small physicochemical difference between valine and leucine. In summary, the available evidence is currently insufficient to determine the role of this variant in disease. Therefore, it has been classified as a Variant of Uncertain Significance. Algorithms developed to predict the effect of missense changes on protein structure and function (SIFT, PolyPhen-2, Align-GVGD) all suggest that this variant is likely to be tolerated, but these predictions have not been confirmed by published functional studies and their clinical significance is uncertain. This variant has not been reported in the literature in individuals with TEAD1-related conditions. The frequency data for this variant in the population databases is considered unreliable, as metrics indicate poor data quality at this position in the ExAC database.